The following is an entry in ClinVar:

NM_001849.4(COL6A2):c.2985C>T (p.Ala995=)

Gene: COL6A2 (collagen type VI alpha 2 chain; plus strand). Cytogenetic location: 21q22.3.
Variant type: single nucleotide variant.
Coding change: c.2985C>T on transcript NM_001849.4 (MANE Select); coding-DNA position 2985, C replaced by T.
Protein change: p.Ala995=; no amino-acid change (alanine 995 retained).
Molecular consequence: synonymous variant.
Genome position (GRCh38, 1-based): chr21:46,132,477, C>T. VCF-style: chr21-46132477-C-T. GRCh37 (hg19) VCF-style: chr21-47552391-C-T.
Identifiers: ClinVar variation 283116 (VCV000283116.17), dbSNP rs752243349, ClinGen allele CA10073127.

ClinVar aggregate classification (germline): Conflicting classifications of pathogenicity. Review status: criteria provided, conflicting classifications (1 of 4 stars). 3 submissions from 3 submitters: Uncertain significance (1); Likely benign (2). Last evaluated 2024-06-07.

Conditions:
Bethlem myopathy 1A. Also called: Bethlem myopathy 1; MYOPATHY, BENIGN CONGENITAL, WITH CONTRACTURES; Bethlem Muscular Dystrophy. Identifiers: Orphanet 610, MedGen CN029274, MONDO:0024530, OMIM 158810.
Collagen 6-related myopathy. Identifiers: MedGen CN117976, MONDO:0100225.

Allele frequency attached by ClinVar (database versions not stated): gnomAD 0.00003; TOPMed 0.00004; ExAC 0.00009; gnomAD exomes 0.00010.
gnomAD v4.1: 89 of 1,606,806 alleles (0.0055%); highest among the groups gnomAD compares: East Asian, 0.056%; no homozygotes.

Submissions (3):

Labcorp Genetics (formerly Invitae), Labcorp
Classification: Likely benign for Bethlem myopathy 1A. Last evaluated: 2024-06-07. Review status: criteria provided, single submitter. Criteria: Invitae Variant Classification Sherloc (09022015). Collection method: clinical testing. Allele origin: germline.

Illumina Laboratory Services, Illumina
Classification: Likely benign for Collagen VI-related myopathy. Last evaluated: 2018-01-13. Review status: criteria provided, single submitter. Criteria: ICSL Variant Classification Criteria 13 December 2019. Collection method: clinical testing. Allele origin: germline.
Comment: This variant was observed in the ICSL laboratory as part of a predisposition screen in an ostensibly healthy population. It had not been previously curated by ICSL or reported in the Human Gene Mutation Database (HGMD: prior to June 1st, 2018), and was therefore a candidate for classification through an automated scoring system. Utilizing variant allele frequency, disease prevalence and penetrance estimates, and inheritance mode, an automated score was calculated to assess if this variant is too frequent to cause the disease. Based on the score and internal cut-off values, a variant classified as likely benign is not then subjected to further curation. The score for this variant resulted in a classification of likely benign for this disease.

Eurofins Ntd Llc (ga)
Classification: Uncertain significance. Last evaluated: 2015-09-09. Review status: criteria provided, single submitter. Criteria: EGL Classification Definitions 2015. Collection method: clinical testing. Allele origin: germline. Observed: 1 variant allele, 1 heterozygote.